The following is an entry in ClinVar:

NM_000368.5(TSC1):c.1720A>G (p.Thr574Ala)

Gene: TSC1 (TSC complex subunit 1; minus strand). Cytogenetic location: 9q34.13.
Variant type: single nucleotide variant.
Coding change: c.1720A>G on transcript NM_000368.5 (MANE Select); coding-DNA position 1720, A replaced by G.
Protein change: p.Thr574Ala; replaces threonine 574 with alanine.
Molecular consequence: missense variant.
Genome position (GRCh38, 1-based): chr9:132,905,858, T>C on the plus strand (A>G on the coding strand, the complement: TSC1 is on the minus strand). VCF-style: chr9-132905858-T-C. GRCh37 (hg19) VCF-style: chr9-135781245-T-C.
Other names: c.1717A>G, p.Thr573Ala (NM_001162426.2); c.1567A>G, p.Thr523Ala (NM_001162427.2); c.1357A>G, p.Thr453Ala (NM_001362177.2); short protein forms T523A, T453A, T573A, T574A.
Identifiers: ClinVar variation 819906 (VCV000819906.20), dbSNP rs1454859974, ClinGen allele CA375363992.

ClinVar aggregate classification (germline): Conflicting classifications of pathogenicity. Review status: criteria provided, conflicting classifications (1 of 4 stars). 5 submissions from 5 submitters: Uncertain significance (2); Likely benign (3). Last evaluated 2025-04-14.

Conditions:
Tuberous sclerosis syndrome (TSC). Also called: Tuberous Sclerosis Complex; Tuberous sclerosis. Identifiers: Orphanet 805, MedGen C0041341, MONDO:0001734.
Hereditary cancer-predisposing syndrome. Also called: Hereditary Cancer Syndrome; Neoplastic Syndromes, Hereditary; Hereditary neoplastic syndrome; Tumor predisposition. Identifiers: Orphanet 140162, MedGen C0027672, MeSH D009386, MONDO:0015356.
Tuberous sclerosis 1 (TSC1). Identifiers: Orphanet 805, MedGen C1854465, MONDO:0008612, OMIM 191100.

Allele frequency attached by ClinVar (database versions not stated): gnomAD exomes below 0.00001.

Submissions (5):

Labcorp Genetics (formerly Invitae), Labcorp
Classification: Likely benign for Tuberous sclerosis 1. Last evaluated: 2025-04-14. Review status: criteria provided, single submitter. Criteria: Invitae Variant Classification Sherloc (09022015). Collection method: clinical testing. Allele origin: germline.

All of Us Research Program, National Institutes of Health
Classification: Uncertain significance for Tuberous sclerosis syndrome. Last evaluated: 2024-09-23. Review status: criteria provided, single submitter. Criteria: ACMG Guidelines, 2015. Collection method: clinical testing. Allele origin: germline. Inheritance: Autosomal dominant inheritance. Observed: 4 variant alleles, 4 heterozygotes.
Comment: This study involves interpretation of variants in research participants for the purpose of population health screening. Participant phenotype was not available at the time of variant classification. Additional details can be found in publication PMID: 35346344, PMCID: PMC8962531

Clinical Genomics Laboratory, Washington University in St. Louis
Classification: Uncertain significance for Tuberous sclerosis 1. Last evaluated: 2023-09-08. Review status: criteria provided, single submitter. Criteria: ACMG Guidelines, 2015. Collection method: clinical testing. Allele origin: germline.
Comment: A TSC1 c.1720A>G (p.Thr574Ala) missense variant was identified at near heterozygous allelic fraction. This variant, to our knowledge, it has not been reported in the medical literature and it is absent from the general population (gnomAD v.3.1.2), indicating it is not a common variant. This variant has been reported in the ClinVar database as a germline variant of uncertain significance by 1 submitter and a germline likely benign variant by 2 submitters (ClinVar ID: 819906). Computational predictors suggest that the variant does not impact TSC1 function. Based on available information, and based on ACMG/AMP guidelines for variant interpretation (Richards S et al., PMID: 25741868) the TSC1 c.1720A>G (p.Thr574Ala) variant is classified as a variant of uncertain significance (VUS).

Genome-Nilou Lab
Classification: Likely benign for Tuberous sclerosis 1. Last evaluated: 2021-11-07. Review status: criteria provided, single submitter. Criteria: ACMG Guidelines, 2015. Collection method: clinical testing. Allele origin: germline. Affected: no.

Ambry Genetics
Classification: Likely benign for Hereditary cancer-predisposing syndrome. Last evaluated: 2019-03-11. Review status: criteria provided, single submitter. Criteria: Ambry Variant Classification Scheme 2023. Collection method: clinical testing. Allele origin: germline.